The following is an entry in ClinVar:

ClinVar aggregate classification (germline): Conflicting classifications of pathogenicity. Review status: criteria provided, conflicting classifications (1 of 4 stars). 14 submissions from 14 submitters: Uncertain significance (1); Benign (2); Likely benign (8). 3 of the submissions do not count toward it. Last evaluated 2026-01-06.

Conditions:
STK11-related disorder. Also called: STK11-related condition.
Hereditary cancer-predisposing syndrome. Also called: Tumor predisposition; Neoplastic Syndromes, Hereditary; Hereditary Cancer Syndrome; Hereditary neoplastic syndrome. Identifiers: Orphanet 140162, MedGen C0027672, MeSH D009386, MONDO:0015356.
Peutz-Jeghers syndrome (PJS). Also called: Peutz-Jeghers polyposis; Periorificial lentiginosis syndrome; POLYPOSIS, HAMARTOMATOUS INTESTINAL; POLYPS-AND-SPOTS SYNDROME. Identifiers: Orphanet 2869, MedGen C0031269, MeSH D010580, MONDO:0008280, OMIM 175200.

Allele frequency attached by ClinVar (database versions not stated): gnomAD 0.00002 and 0.00003; TOPMed 0.00006; 1000 Genomes Project 30x 0.00016; 1000 Genomes Project 0.00020.

Submissions (14):

Labcorp Genetics (formerly Invitae), Labcorp
Classification: Likely benign for Peutz-Jeghers syndrome. Last evaluated: 2026-01-06. Review status: criteria provided, single submitter. Criteria: Invitae Variant Classification Sherloc (09022015). Collection method: clinical testing. Allele origin: germline.

Women's Health and Genetics/Laboratory Corporation of America, LabCorp
Classification: Likely benign. Last evaluated: 2025-09-02. Review status: criteria provided, single submitter. Criteria: LabCorp Variant Classification Summary - May 2015. Collection method: clinical testing. Allele origin: germline.

Quest Diagnostics Nichols Institute San Juan Capistrano
Classification: Likely benign. Last evaluated: 2025-05-12. Review status: criteria provided, single submitter. Criteria: Quest Diagnostics criteria. Collection method: clinical testing. Allele origin: unknown.

All of Us Research Program, National Institutes of Health
Classification: Likely benign for Peutz-Jeghers syndrome. Last evaluated: 2024-09-27. Review status: criteria provided, single submitter. Criteria: ACMG Guidelines, 2015. Collection method: clinical testing. Allele origin: germline. Inheritance: Autosomal dominant inheritance. Observed: 4 variant alleles, 4 heterozygotes.
Comment: This study involves interpretation of variants in research participants for the purpose of population health screening. Participant phenotype was not available at the time of variant classification. Additional details can be found in publication PMID: 35346344, PMCID: PMC8962531

Myriad Genetics, Inc.
Classification: Benign for Peutz-Jeghers syndrome. Last evaluated: 2023-04-12. Review status: criteria provided, single submitter. Criteria: Myriad Autosomal Dominant, Autosomal Recessive and X-Linked Classification Criteria (2023). Collection method: clinical testing. Allele origin: unknown.
Comment: This variant is considered benign. This variant is a silent/synonymous amino acid change and it is not expected to impact splicing.

CeGaT Center for Human Genetics Tuebingen
Classification: Likely benign. Last evaluated: 2022-09-01. Review status: criteria provided, single submitter. Criteria: CeGaT Center For Human Genetics Tuebingen Variant Classification Criteria Version 2. Collection method: clinical testing. Allele origin: germline. Affected: yes. Observed: 1 variant allele.
Comment: STK11: BP4, BP7

Genome-Nilou Lab
Classification: Likely benign for Peutz-Jeghers syndrome. Last evaluated: 2021-07-15. Review status: criteria provided, single submitter. Criteria: ACMG Guidelines, 2015. Collection method: clinical testing. Allele origin: germline. Affected: no.

Genetic Services Laboratory, University of Chicago
Classification: Uncertain significance. Last evaluated: 2020-03-09. Review status: criteria provided, single submitter. Criteria: ACMG Guidelines, 2015. Collection method: clinical testing. Allele origin: germline. Affected: no.

Color Diagnostics, LLC DBA Color Health
Classification: Likely benign for Hereditary cancer-predisposing syndrome. Last evaluated: 2017-09-08. Review status: criteria provided, single submitter. Criteria: ACMG Guidelines, 2015. Collection method: clinical testing. Allele origin: germline.

Ambry Genetics
Classification: Likely benign for Hereditary cancer-predisposing syndrome. Last evaluated: 2015-10-16. Review status: criteria provided, single submitter. Criteria: Ambry Variant Classification Scheme 2023. Collection method: clinical testing. Allele origin: germline.

GeneDx
Classification: Benign. Last evaluated: 2015-03-03. Review status: criteria provided, single submitter. Criteria: GeneDx Variant Classification Process June 2021. Collection method: clinical testing. Allele origin: germline. Affected: yes.

PreventionGenetics, part of Exact Sciences
Classification: Likely benign for STK11-related condition. Last evaluated: 2022-09-09. Review status: no assertion criteria provided. Collection method: clinical testing. Allele origin: germline. Not counted in ClinVar's aggregate classification.
Comment: This variant is classified as likely benign based on ACMG/AMP sequence variant interpretation guidelines (Richards et al. 2015 PMID: 25741868, with internal and published modifications).

True Health Diagnostics
Classification: Likely benign for Hereditary cancer-predisposing syndrome. Last evaluated: 2018-07-13. Review status: no assertion criteria provided. Collection method: clinical testing. Allele origin: germline. Not counted in ClinVar's aggregate classification.

Counsyl
Classification: Likely benign for Peutz-Jeghers syndrome. Last evaluated: 2018-03-26. Review status: no assertion criteria provided. Collection method: clinical testing. Allele origin: unknown. Not counted in ClinVar's aggregate classification.

NM_000455.5(STK11):c.828C>T (p.Gly276=)

Gene: STK11 (serine/threonine kinase 11; plus strand). Cytogenetic location: 19p13.3.
Variant type: single nucleotide variant.
Coding change: c.828C>T on transcript NM_000455.5 (MANE Select); coding-DNA position 828, C replaced by T.
Protein change: p.Gly276=; no amino-acid change (glycine 276 retained).
Molecular consequence: synonymous variant.
Genome position (GRCh38, 1-based): chr19:1,221,306, C>T. VCF-style: chr19-1221306-C-T. GRCh37 (hg19) VCF-style: chr19-1221305-C-T.
Identifiers: ClinVar variation 184316 (VCV000184316.55), dbSNP rs200824447, ClinGen allele CA023290.